The following is an entry in ClinVar:

ClinVar aggregate classification (germline): Uncertain significance (1 of 4 stars; one submission).

Conditions:
Pyridoxine-dependent epilepsy (EPEO4). Also called: Pyridoxine-Dependent Seizures; Pyridoxine-Dependent Epilepsy - ALDH7A1; PYRIDOXINE DEPENDENCY WITH SEIZURES; EPILEPSY, EARLY-ONSET, 4, VITAMIN B6-DEPENDENT. Identifiers: Orphanet 3006, MedGen C1849508, MONDO:0009945, OMIM 266100. Disease mechanism: loss of function.

Submission:

Labcorp Genetics (formerly Invitae), Labcorp
Classification: Uncertain significance for Pyridoxine-dependent epilepsy. Last evaluated: 2022-08-02. Review status: criteria provided, single submitter. Criteria: Invitae Variant Classification Sherloc (09022015). Collection method: clinical testing. Allele origin: germline.
Comment: This variant is not present in population databases (gnomAD no frequency). In summary, the available evidence is currently insufficient to determine the role of this variant in disease. Therefore, it has been classified as a Variant of Uncertain Significance. Advanced modeling of protein sequence and biophysical properties (such as structural, functional, and spatial information, amino acid conservation, physicochemical variation, residue mobility, and thermodynamic stability) performed at Invitae indicates that this missense variant is not expected to disrupt ALDH7A1 protein function. This variant has not been reported in the literature in individuals affected with ALDH7A1-related conditions. This sequence change replaces isoleucine, which is neutral and non-polar, with methionine, which is neutral and non-polar, at codon 179 of the ALDH7A1 protein (p.Ile179Met).

NM_001182.5(ALDH7A1):c.537T>G (p.Ile179Met)

Gene: ALDH7A1 (aldehyde dehydrogenase 7 family member A1; minus strand). Cytogenetic location: 5q23.2.
Variant type: single nucleotide variant.
Coding change: c.537T>G on transcript NM_001182.5 (MANE Select); coding-DNA position 537, T replaced by G.
Protein change: p.Ile179Met; replaces isoleucine 179 with methionine.
Molecular consequence: missense variant.
Genome position (GRCh38, 1-based): chr5:126,577,192, A>C on the plus strand (T>G on the coding strand, the complement: ALDH7A1 is on the minus strand). VCF-style: chr5-126577192-A-C. GRCh37 (hg19) VCF-style: chr5-125912884-A-C.
Other names: c.453T>G, p.Ile151Met (NM_001201377.2); c.537T>G, p.Ile179Met (NM_001202404.2); short protein forms I179M, I151M.
Identifiers: ClinVar variation 2143772 (VCV002143772.3), dbSNP rs2480322983, ClinGen allele CA360731215.